The following is an entry in ClinVar:

ClinVar aggregate classification (germline): Pathogenic (1 of 4 stars; one submission).

Allele frequency attached by ClinVar (database versions not stated): TOPMed below 0.00001; gnomAD 0.00001.
gnomAD v4.1: 1 of 1,613,382 alleles (0.000062%); highest among the groups gnomAD compares: Non-Finnish European, 0.000085%; no homozygotes.

Submission:

Labcorp Genetics (formerly Invitae), Labcorp
Classification: Pathogenic. Last evaluated: 2023-04-20. Review status: criteria provided, single submitter. Criteria: Invitae Variant Classification Sherloc (09022015). Collection method: clinical testing. Allele origin: germline.
Comment: This sequence change creates a premature translational stop signal (p.Trp967*) in the ATP8B1 gene. It is expected to result in an absent or disrupted protein product. Loss-of-function variants in ATP8B1 are known to be pathogenic (PMID: 15239083, 22525741). This variant is not present in population databases (gnomAD no frequency). This variant has not been reported in the literature in individuals affected with ATP8B1-related conditions. For these reasons, this variant has been classified as Pathogenic.

Literature cited by the submitters: PubMed 15239083; PubMed 22525741.

NM_001374385.1(ATP8B1):c.2901G>A (p.Trp967Ter)

Genes: ATP8B1 (ATPase phospholipid transporting 8B1; minus strand), ATP8B1-AS1 (ATP8B1 antisense RNA 1; plus strand). Cytogenetic location: 18q21.31.
Variant type: single nucleotide variant.
Coding change: c.2901G>A on transcript NM_001374385.1 (MANE Select); coding-DNA position 2901, G replaced by A.
Protein change: p.Trp967Ter; replaces tryptophan 967 with a stop codon.
Molecular consequence: nonsense.
Genome position (GRCh38, 1-based): chr18:57,655,224, C>T on the plus strand (G>A on the coding strand, the complement: ATP8B1 is on the minus strand). VCF-style: chr18-57655224-C-T. GRCh37 (hg19) VCF-style: chr18-55322456-C-T.
Other names: c.2751G>A, p.Trp917Ter (NM_001374386.1); c.2901G>A, p.Trp967Ter (NM_005603.6); short protein forms W967*, W917*.
Identifiers: ClinVar variation 2857770 (VCV002857770.3), dbSNP rs1324824195, ClinGen allele CA402546582.